The following is an entry in ClinVar:

NM_003001.5(SDHC):c.162C>A (p.Pro54=)

Gene: SDHC (succinate dehydrogenase complex subunit C; plus strand). Cytogenetic location: 1q23.3.
Variant type: single nucleotide variant.
Coding change: c.162C>A on transcript NM_003001.5 (MANE Select); coding-DNA position 162, C replaced by A.
Protein change: p.Pro54=; no amino-acid change (proline 54 retained).
Molecular consequence: synonymous variant. On other transcripts: non-coding transcript variant (1), intron variant (4).
Genome position (GRCh38, 1-based): chr1:161,328,480, C>A. VCF-style: chr1-161328480-C-A. GRCh37 (hg19) VCF-style: chr1-161298270-C-A.
Other names: c.162C>A, p.Pro54= (NM_001035511.3, NM_001407115.1); c.105C>A, p.Pro35= (NM_001407116.1, NM_001407117.1, NM_001407121.1); c.51C>A, p.Pro17= (NM_001407119.1, NM_001407120.1); c.77+4810C>A (NM_001035512.3, NM_001278172.3, NM_001407118.1); c.21-12114C>A (NM_001035513.3).
Identifiers: ClinVar variation 465963 (VCV000465963.20), dbSNP rs374450282, ClinGen allele CA045852.

ClinVar aggregate classification (germline): Benign/Likely benign. Review status: criteria provided, multiple submitters, no conflicts (2 of 4 stars). 7 submissions from 7 submitters: Benign (3); Likely benign (4). Last evaluated 2026-01-28.

Conditions:
Hereditary pheochromocytoma and paraganglioma. Also called: Hereditary Paraganglioma-Pheochromocytoma Syndromes; Hereditary paragangliomas and pheochromocytomas; Hereditary pheochromocytoma-paraganglioma. Identifiers: Orphanet 29072, MedGen C4274332, MONDO:0017366.
Hereditary cancer-predisposing syndrome. Also called: Tumor predisposition; Hereditary neoplastic syndrome; Neoplastic Syndromes, Hereditary; Hereditary Cancer Syndrome. Identifiers: Orphanet 140162, MedGen C0027672, MeSH D009386, MONDO:0015356.
Pheochromocytoma/paraganglioma syndrome 3. Also called: SDHC-Related Hereditary Paraganglioma-Pheochromocytoma Syndrome (Paragangliomas 3); GLOMUS TUMORS, FAMILIAL, 3; SDHC-Related Hereditary Paraganglioma-Pheochromocytoma Syndrome; Paragangliomas 3. Identifiers: Orphanet 29072, MedGen C1854336, MONDO:0011544, OMIM 605373.
Gastrointestinal stromal tumor. Also called: Gastrointestinal stroma tumor; Gastrointestinal stromal tumor, somatic. Identifiers: Orphanet 44890, MedGen C0238198, MeSH D046152, MONDO:0011719, OMIM 606764, HP:0100723.

Allele frequency attached by ClinVar (database versions not stated): gnomAD below 0.00001 and 0.00003; TOPMed below 0.00001; gnomAD exomes 0.00003 and 0.00010; ExAC 0.00010; 1000 Genomes Project 0.00060; 1000 Genomes Project 30x 0.00062.
gnomAD v4.1: 57 of 1,607,966 alleles (0.0035%); highest among the groups gnomAD compares: South Asian, 0.052%; no homozygotes.

Submissions (7):

Labcorp Genetics (formerly Invitae), Labcorp
Classification: Likely benign for Pheochromocytoma/paraganglioma syndrome 3; Gastrointestinal stromal tumor. Last evaluated: 2026-01-28. Review status: criteria provided, single submitter. Criteria: Invitae Variant Classification Sherloc (09022015). Collection method: clinical testing. Allele origin: germline.

Women's Health and Genetics/Laboratory Corporation of America, LabCorp
Classification: Benign. Last evaluated: 2025-07-20. Review status: criteria provided, single submitter. Criteria: LabCorp Variant Classification Summary - May 2015. Collection method: clinical testing. Allele origin: germline.

Myriad Genetics, Inc.
Classification: Benign for Pheochromocytoma/paraganglioma syndrome 3. Last evaluated: 2025-03-14. Review status: criteria provided, single submitter. Criteria: Myriad Autosomal Dominant, Autosomal Recessive and X-Linked Classification Criteria (2023). Collection method: clinical testing. Allele origin: unknown.
Comment: This variant is considered benign. This variant is a silent/synonymous amino acid change and it is not expected to impact splicing.

KCCC/NGS Laboratory, Kuwait Cancer Control Center
Classification: Benign for Pheochromocytoma/paraganglioma syndrome 3. Last evaluated: 2025-02-01. Review status: criteria provided, single submitter. Criteria: ACMG Guidelines, 2015. Collection method: clinical testing. Allele origin: germline. Affected: no.

All of Us Research Program, National Institutes of Health
Classification: Likely benign for Hereditary pheochromocytoma and paraganglioma. Last evaluated: 2024-02-05. Review status: criteria provided, single submitter. Criteria: ACMG Guidelines, 2015. Collection method: clinical testing. Allele origin: germline. Inheritance: Autosomal dominant inheritance. Observed: 1 variant allele, 1 heterozygote.
Comment: This study involves interpretation of variants in research participants for the purpose of population health screening. Participant phenotype was not available at the time of variant classification. Additional details can be found in publication PMID: 35346344, PMCID: PMC8962531

Color Diagnostics, LLC DBA Color Health
Classification: Likely benign for Hereditary pheochromocytoma and paraganglioma. Last evaluated: 2022-11-06. Review status: criteria provided, single submitter. Criteria: ACMG Guidelines, 2015. Collection method: clinical testing. Allele origin: germline.

Ambry Genetics
Classification: Likely benign for Hereditary cancer-predisposing syndrome. Last evaluated: 2020-04-23. Review status: criteria provided, single submitter. Criteria: Ambry Variant Classification Scheme 2023. Collection method: clinical testing. Allele origin: germline.